The following is an entry in ClinVar:

ClinVar aggregate classification (germline): Uncertain significance (1 of 4 stars; one submission).

Allele frequency attached by ClinVar (database versions not stated): gnomAD exomes below 0.00001; ExAC 0.00001; gnomAD 0.00001; TOPMed 0.00002.
gnomAD v4.1: 5 of 1,613,840 alleles (0.00031%); highest among the groups gnomAD compares: African/African-American, 0.004%; no homozygotes.

Submission:

Labcorp Genetics (formerly Invitae), Labcorp
Classification: Uncertain significance. Last evaluated: 2024-02-23. Review status: criteria provided, single submitter. Criteria: Invitae Variant Classification Sherloc (09022015). Collection method: clinical testing. Allele origin: germline.
Comment: This sequence change replaces arginine, which is basic and polar, with cysteine, which is neutral and slightly polar, at codon 1033 of the ZNF687 protein (p.Arg1033Cys). This variant is present in population databases (rs745563703, gnomAD 0.007%). This variant has not been reported in the literature in individuals affected with ZNF687-related conditions. ClinVar contains an entry for this variant (Variation ID: 2420859). An algorithm developed to predict the effect of missense changes on protein structure and function (PolyPhen-2) suggests that this variant is likely to be disruptive. In summary, the available evidence is currently insufficient to determine the role of this variant in disease. Therefore, it has been classified as a Variant of Uncertain Significance.

NM_020832.3(ZNF687):c.3097C>T (p.Arg1033Cys)

Gene: ZNF687 (zinc finger protein 687; plus strand). Cytogenetic location: 1q21.3.
Variant type: single nucleotide variant.
Coding change: c.3097C>T on transcript NM_020832.3 (MANE Select); coding-DNA position 3097, C replaced by T.
Protein change: p.Arg1033Cys; replaces arginine 1033 with cysteine.
Molecular consequence: missense variant.
Genome position (GRCh38, 1-based): chr1:151,290,451, C>T. VCF-style: chr1-151290451-C-T. GRCh37 (hg19) VCF-style: chr1-151262927-C-T.
Other names: c.3097C>T, p.Arg1033Cys (NM_001304763.2, NM_001304764.2); short protein forms R1033C.
Identifiers: ClinVar variation 2420859 (VCV002420859.6), dbSNP rs745563703, ClinGen allele CA1088774.